The following is an entry in ClinVar:

NM_019844.4(SLCO1B3):c.434A>G (p.Asn145Ser)

Genes: SLCO1B3 (solute carrier organic anion transporter family member 1B3; plus strand), SLCO1B3-SLCO1B7 (SLCO1B3-SLCO1B7 readthrough; plus strand). Cytogenetic location: 12p12.2.
Variant type: single nucleotide variant.
Coding change: c.434A>G on transcript NM_019844.4 (MANE Select); coding-DNA position 434, A replaced by G.
Protein change: p.Asn145Ser; replaces asparagine 145 with serine.
Molecular consequence: missense variant.
Genome position (GRCh38, 1-based): chr12:20,861,091, A>G. VCF-style: chr12-20861091-A-G. GRCh37 (hg19) VCF-style: chr12-21014025-A-G.
Other names: c.434A>G, p.Asn145Ser (NM_001371097.1); c.350A>G, p.Asn117Ser (NM_001349920.2); short protein forms N117S, N145S.
Identifiers: ClinVar variation 883729 (VCV000883729.14), dbSNP rs146623116, ClinGen allele CA6475172.

ClinVar aggregate classification (germline): Conflicting classifications of pathogenicity. Review status: criteria provided, conflicting classifications (1 of 4 stars). 3 submissions from 3 submitters: Uncertain significance (1); Benign (1). 1 of the submissions does not count toward it. Last evaluated 2020-06-30.

Conditions:
Rotor syndrome (HBLRR). Also called: HYPERBILIRUBINEMIA, ROTOR TYPE, DIGENIC; HYPERBILIRUBINEMIA, ROTOR TYPE. Identifiers: Orphanet 3111, MedGen C0220991, MONDO:0009379, OMIM 237450.
SLCO1B3-related disorder. Also called: SLCO1B3-related condition.

Allele frequency attached by ClinVar (database versions not stated): 1000 Genomes Project 30x 0.00094; 1000 Genomes Project 0.00120; gnomAD 0.00184; TOPMed 0.00195; ESP Exome Variant Server 0.00231; gnomAD exomes 0.00253.
gnomAD v4.1: 3,896 of 1,603,304 alleles (0.24%); highest among the groups gnomAD compares: Non-Finnish European, 0.3%; 5 homozygotes.

Submissions (3):

ARUP Laboratories, Molecular Genetics and Genomics, ARUP Laboratories
Classification: Uncertain significance for Rotor syndrome. Last evaluated: 2020-06-30. Review status: criteria provided, single submitter. Criteria: ARUP Molecular Germline Variant Investigation Process. Collection method: clinical testing. Allele origin: germline.

Illumina Laboratory Services, Illumina
Classification: Benign for Rotor syndrome. Last evaluated: 2017-05-03. Review status: criteria provided, single submitter. Criteria: ICSL Variant Classification Criteria 13 December 2019. Collection method: clinical testing. Allele origin: germline.
Comment: This variant was observed as part of a predisposition screen in an ostensibly healthy population. A literature search was performed for the gene, cDNA change, and amino acid change (where applicable). Publications were found based on this search. The evidence from the literature, in combination with allele frequency data from public databases where available, was sufficient to rule this variant out of causing disease. Therefore, this variant is classified as benign.

PreventionGenetics, part of Exact Sciences
Classification: Likely benign for SLCO1B3-related condition. Last evaluated: 2022-02-07. Review status: no assertion criteria provided. Collection method: clinical testing. Allele origin: germline. Not counted in ClinVar's aggregate classification.
Comment: This variant is classified as likely benign based on ACMG/AMP sequence variant interpretation guidelines (Richards et al. 2015 PMID: 25741868, with internal and published modifications).

Literature cited by the submitters: PubMed 27582484 (cited by Illumina Laboratory Services, Illumina).